The following is an entry in ClinVar:

ClinVar aggregate classification (germline): Uncertain significance (1 of 4 stars; one submission).

Submission:

Labcorp Genetics (formerly Invitae), Labcorp
Classification: Uncertain significance. Last evaluated: 2025-03-07. Review status: criteria provided, single submitter. Criteria: Invitae Variant Classification Sherloc (09022015). Collection method: clinical testing. Allele origin: germline.
Comment: This sequence change replaces arginine, which is basic and polar, with glycine, which is neutral and non-polar, at codon 182 of the BACH2 protein (p.Arg182Gly). This variant is not present in population databases (gnomAD no frequency). This variant has not been reported in the literature in individuals affected with BACH2-related conditions. Invitae Evidence Modeling of protein sequence and biophysical properties (such as structural, functional, and spatial information, amino acid conservation, physicochemical variation, residue mobility, and thermodynamic stability) indicates that this missense variant is not expected to disrupt BACH2 protein function with a negative predictive value of 80%. In summary, the available evidence is currently insufficient to determine the role of this variant in disease. Therefore, it has been classified as a Variant of Uncertain Significance.

NM_021813.4(BACH2):c.544A>G (p.Arg182Gly)

Gene: BACH2 (BACH transcriptional regulator 2; minus strand). Cytogenetic location: 6q15.
Variant type: single nucleotide variant.
Coding change: c.544A>G on transcript NM_021813.4 (MANE Select); coding-DNA position 544, A replaced by G.
Protein change: p.Arg182Gly; replaces arginine 182 with glycine.
Molecular consequence: missense variant.
Genome position (GRCh38, 1-based): chr6:89,951,562, T>C on the plus strand (A>G on the coding strand, the complement: BACH2 is on the minus strand). VCF-style: chr6-89951562-T-C. GRCh37 (hg19) VCF-style: chr6-90661281-T-C.
Other names: c.544A>G, p.Arg182Gly (NM_001170794.2); short protein forms R182G.
Identifiers: ClinVar variation 4741511 (VCV004741511.1).